The following is an entry in ClinVar:

NM_004311.4(ARL3):c.208G>A (p.Gly70Arg)

Gene: ARL3 (ARF like GTPase 3; minus strand). Cytogenetic location: 10q24.32.
Variant type: single nucleotide variant.
Coding change: c.208G>A on transcript NM_004311.4 (MANE Select); coding-DNA position 208, G replaced by A.
Protein change: p.Gly70Arg; replaces glycine 70 with arginine.
Molecular consequence: missense variant.
Genome position (GRCh38, 1-based): chr10:102,699,429, C>T on the plus strand (G>A on the coding strand, the complement: ARL3 is on the minus strand). VCF-style: chr10-102699429-C-T. GRCh37 (hg19) VCF-style: chr10-104459186-C-T.
Other names: short protein forms G70R.
Identifiers: ClinVar variation 1520361 (VCV001520361.6), dbSNP rs2136005300, ClinGen allele CA377922769.
Genomic context (GRCh38, chr10:102,699,429, plus strand): 5'-TTACAAGAATATCGGTATTTTCAAAATAATTCTTCCAGTATGGTCTGATTTTCCTCTGTC[C>T]ACCAATGTCCCATACATTCAGTTTAAAACCTTGTGATTGTACACTTTTGATGTTGAAACC-3'
Protein context (NP_004302.1, residues 60-80): GFKLNVWDIG[Gly70Arg]QRKIRPYWKN

ClinVar aggregate classification (germline): Uncertain significance (1 of 4 stars; one submission).

Submission:

Labcorp Genetics (formerly Invitae), Labcorp
Classification: Uncertain significance. Last evaluated: 2021-09-19. Review status: criteria provided, single submitter. Criteria: Invitae Variant Classification Sherloc (09022015). Collection method: clinical testing. Allele origin: germline.
Comment: This variant has not been reported in the literature in individuals affected with ARL3-related conditions. In summary, the available evidence is currently insufficient to determine the role of this variant in disease. Therefore, it has been classified as a Variant of Uncertain Significance. Algorithms developed to predict the effect of missense changes on protein structure and function (SIFT, PolyPhen-2, Align-GVGD) all suggest that this variant is likely to be disruptive. This variant is not present in population databases (ExAC no frequency). This sequence change replaces glycine with arginine at codon 70 of the ARL3 protein (p.Gly70Arg). The glycine residue is highly conserved and there is a moderate physicochemical difference between glycine and arginine.